The following is an entry in ClinVar:

NM_017813.5(BPNT2):c.473_474dup (p.Thr159Ter)

Gene: BPNT2 (3'(2'), 5'-bisphosphate nucleotidase 2; minus strand). Cytogenetic location: 8q12.1.
Variant type: Duplication.
Coding change: c.473_474dup on transcript NM_017813.5 (MANE Select); coding-DNA positions 473 to 474, 2 bases duplicated (TA; older notation c.473_474dupTA).
Protein change: p.Thr159Ter; replaces threonine 159 with a stop codon.
Molecular consequence: nonsense.
Genome position (GRCh38, 1-based): chr8:56,980,111-56,980,112, TA duplicated on the plus strand (TA on the coding strand, the reverse complement: BPNT2 is on the minus strand). VCF-style (leftmost placement, unchanged base first): chr8-56980110-T-TTA. GRCh37 (hg19) VCF-style: chr8-57892669-T-TTA.
Other names: short protein forms T159*.
Identifiers: ClinVar variation 1162256 (VCV001162256.4), dbSNP rs2129205425, ClinGen allele CA2499219356.

ClinVar aggregate classification (germline): Pathogenic (1 of 4 stars; one submission).

Conditions:
Chondrodysplasia with joint dislocations, gPAPP type. Also called: GPAPP DEFICIENCY. Identifiers: Orphanet 280586, MedGen C3279757, MONDO:0013561, OMIM 614078.

Submission:

Diagnostics Division, CENTRE FOR DNA FINGERPRINTING AND DIAGNOSTICS
Classification: Pathogenic for Chondrodysplasia with joint dislocations, gPAPP type. Last evaluated: 2021-04-02. Review status: criteria provided, single submitter. Criteria: ACMG Guidelines, 2015. Collection method: clinical testing. Allele origin: germline. Inheritance: Autosomal recessive inheritance. Affected: yes. Observed: 1 variant allele, 1 homozygote.
Comment: This is a previously unreported homozygous 2 base pair duplication in exon 2 of the IMPAD1 gene NM_017813.5: c.473_474dup; n.755_756dup; In silico analysis revealed that this mutation results in frameshift causing premature truncation of the protein at aminoacid 159.This variant has not been reported in the 1000 genomes, ExAC and our internal databases. The in silico prediction of the variant is damaging by MutationTaster2. The reference region is conserved across primates. Since this is an indel variant, the pathogenicity of the mutation was tested using only available online indel variant scoring program Combined Annotation Dependent Depletion (CADD).